The following is an entry in ClinVar:

ClinVar aggregate classification (germline): Likely benign (0 of 4 stars; one submission).

Conditions:
VIL1-related disorder. Also called: VIL1-related condition.

Allele frequency attached by ClinVar (database versions not stated): ExAC 0.00008; ESP Exome Variant Server 0.00008; TOPMed 0.00008; gnomAD 0.00018.
gnomAD v4.1: 146 of 1,613,932 alleles (0.009%); highest among the groups gnomAD compares: Admixed American, 0.042%; 3 homozygotes.

Submission:

PreventionGenetics, part of Exact Sciences
Classification: Likely benign for VIL1-related condition. Last evaluated: 2019-04-25. Review status: no assertion criteria provided. Collection method: clinical testing. Allele origin: germline.
Comment: This variant is classified as likely benign based on ACMG/AMP sequence variant interpretation guidelines (Richards et al. 2015 PMID: 25741868, with internal and published modifications).

NM_007127.3(VIL1):c.1200G>A (p.Val400=)

Gene: VIL1 (villin 1; plus strand). Cytogenetic location: 2q35.
Variant type: single nucleotide variant.
Coding change: c.1200G>A on transcript NM_007127.3 (MANE Select); coding-DNA position 1200, G replaced by A.
Protein change: p.Val400=; no amino-acid change (valine 400 retained).
Molecular consequence: synonymous variant.
Genome position (GRCh38, 1-based): chr2:218,431,954, G>A. VCF-style: chr2-218431954-G-A. GRCh37 (hg19) VCF-style: chr2-219296677-G-A.
Identifiers: ClinVar variation 3039037 (VCV003039037.2), dbSNP rs372147210, ClinGen allele CA2106378.